The following is an entry in ClinVar:

ClinVar aggregate classification (germline): Uncertain significance. Review status: criteria provided, multiple submitters, no conflicts (2 of 4 stars). 3 submissions from 3 submitters: Uncertain significance (2). 1 of the submissions does not count toward it. Last evaluated 2020-02-03.

Conditions:
DICER1-related tumor predisposition. Also called: DICER1 syndrome; DICER1-related pleuropulmonary blastoma cancer predisposition syndrome. Identifiers: Orphanet 284343, MedGen C3839822, MONDO:0100216.
Hereditary cancer-predisposing syndrome. Also called: Tumor predisposition; Hereditary neoplastic syndrome; Neoplastic Syndromes, Hereditary; Hereditary Cancer Syndrome. Identifiers: Orphanet 140162, MedGen C0027672, MeSH D009386, MONDO:0015356.
DICER1-related disorder. Also called: DICER1-related condition.

Submissions (3):

Ambry Genetics
Classification: Uncertain significance for Hereditary cancer-predisposing syndrome. Last evaluated: 2020-02-03. Review status: criteria provided, single submitter. Criteria: Ambry Variant Classification Scheme 2023. Collection method: clinical testing. Allele origin: germline.
Comment: The p.Q941H variant (also known as c.2823G>T), located in coding exon 17 of the DICER1 gene, results from a G to T substitution at nucleotide position 2823. The glutamine at codon 941 is replaced by histidine, an amino acid with highly similar properties. This amino acid position is highly conserved in available vertebrate species. In addition, this alteration is predicted to be tolerated by in silico analysis. Since supporting evidence is limited at this time, the clinical significance of this alteration remains unclear.

Labcorp Genetics (formerly Invitae), Labcorp
Classification: Uncertain significance for DICER1-related tumor predisposition. Last evaluated: 2019-09-23. Review status: criteria provided, single submitter. Criteria: Invitae Variant Classification Sherloc (09022015). Collection method: clinical testing. Allele origin: germline.
Comment: Algorithms developed to predict the effect of missense changes on protein structure and function are either unavailable or do not agree on the potential impact of this missense change (SIFT: "Deleterious"; PolyPhen-2: "Probably Damaging"; Align-GVGD: "Class C15"). This variant has not been reported in the literature in individuals with DICER1-related conditions. This variant is not present in population databases (ExAC no frequency). This sequence change replaces glutamine with histidine at codon 941 of the DICER1 protein (p.Gln941His). The glutamine residue is highly conserved and there is a small physicochemical difference between glutamine and histidine. In summary, the available evidence is currently insufficient to determine the role of this variant in disease. Therefore, it has been classified as a Variant of Uncertain Significance.

PreventionGenetics, part of Exact Sciences
Classification: Uncertain significance for DICER1-related condition. Last evaluated: 2024-03-27. Review status: no assertion criteria provided. Collection method: clinical testing. Allele origin: germline. Not counted in ClinVar's aggregate classification.
Comment: The DICER1 c.2823G>T variant is predicted to result in the amino acid substitution p.Gln941His. To our knowledge, this variant has not been reported in the literature or in a large population database, indicating this variant is rare. At this time, the clinical significance of this variant is uncertain due to the absence of conclusive functional and genetic evidence.

NM_177438.3(DICER1):c.2823G>T (p.Gln941His)

Gene: DICER1 (dicer 1, ribonuclease III; minus strand). Cytogenetic location: 14q32.13.
Variant type: single nucleotide variant.
Coding change: c.2823G>T on transcript NM_177438.3 (MANE Select); coding-DNA position 2823, G replaced by T.
Protein change: p.Gln941His; replaces glutamine 941 with histidine.
Molecular consequence: missense variant.
Genome position (GRCh38, 1-based): chr14:95,106,205, C>A on the plus strand (G>T on the coding strand, the complement: DICER1 is on the minus strand). VCF-style: chr14-95106205-C-A. GRCh37 (hg19) VCF-style: chr14-95572542-C-A.
Other names: c.2823G>T, p.Gln941His (NM_001195573.1, NM_001271282.3, NM_001291628.2 and 1 more transcripts); short protein forms Q941H.
Identifiers: ClinVar variation 938633 (VCV000938633.14), dbSNP rs1891411377, ClinGen allele CA390879233.